The following is an entry in ClinVar:

ClinVar aggregate classification (germline): Uncertain significance (1 of 4 stars; one submission).

Conditions:
Hereditary cancer-predisposing syndrome. Also called: Neoplastic Syndromes, Hereditary; Tumor predisposition; Hereditary neoplastic syndrome; Hereditary Cancer Syndrome. Identifiers: Orphanet 140162, MedGen C0027672, MeSH D009386, MONDO:0015356.

Submission:

Ambry Genetics
Classification: Uncertain significance for Hereditary cancer-predisposing syndrome. Last evaluated: 2023-11-08. Review status: criteria provided, single submitter. Criteria: Ambry Variant Classification Scheme 2023. Collection method: clinical testing. Allele origin: germline.
Comment: The p.V2483L variant (also known as c.7447G>C), located in coding exon 15 of the APC gene, results from a G to C substitution at nucleotide position 7447. The valine at codon 2483 is replaced by leucine, an amino acid with highly similar properties. This amino acid position is conserved. In addition, in silico predictors for this gene do not accurately predict pathogenicity. Since supporting evidence is limited at this time, the clinical significance of this alteration remains unclear.

NM_000038.6(APC):c.7447G>C (p.Val2483Leu)

Gene: APC (APC regulator of Wnt signaling pathway; plus strand). Cytogenetic location: 5q22.2.
Variant type: single nucleotide variant.
Coding change: c.7447G>C on transcript NM_000038.6 (MANE Select); coding-DNA position 7447, G replaced by C.
Protein change: p.Val2483Leu; replaces valine 2483 with leucine.
Molecular consequence: missense variant. On other transcripts: non-coding transcript variant (2).
Genome position (GRCh38, 1-based): chr5:112,843,041, G>C. VCF-style: chr5-112843041-G-C. GRCh37 (hg19) VCF-style: chr5-112178738-G-C.
Other names: c.7447G>C, p.Val2483Leu (NM_001127510.3, NM_001354895.2, NM_001407450.1); c.7393G>C, p.Val2465Leu (NM_001127511.3); c.7501G>C, p.Val2501Leu (NM_001354896.2, NM_001407447.1, NM_001407448.1 and 1 more transcripts); c.7477G>C, p.Val2493Leu (NM_001354897.2); c.7372G>C, p.Val2458Leu (NM_001354898.2); c.7363G>C, p.Val2455Leu (NM_001354899.2); c.7324G>C, p.Val2442Leu (NM_001354900.2); c.7270G>C, p.Val2424Leu (NM_001354901.2, NM_001407453.1); and 11 more; short protein forms V2099L, V2200L, V2323L, V2354L, V2357L, V2382L, V2392L, V2400L.
Identifiers: ClinVar variation 3231296 (VCV003231296.1), dbSNP rs1554088371, ClinGen allele CA16037536.